The following is an entry in ClinVar:

NM_000260.4(MYO7A):c.3764del (p.Lys1255fs)

Gene: MYO7A (myosin VIIA; plus strand). Cytogenetic location: 11q13.5.
Variant type: Deletion.
Coding change: c.3764del on transcript NM_000260.4 (MANE Select); coding-DNA position 3764, one base deleted (A; older notation c.3764delA).
Protein change: p.Lys1255fs; shifts the reading frame from lysine 1255.
Molecular consequence: frameshift variant.
Genome position (GRCh38, 1-based): chr11:77,190,710, A deleted; the last of 2 consecutive A bases (chr11:77,190,709-77,190,710); deleting either gives the same sequence. VCF-style (leftmost placement, unchanged base first): chr11-77190708-CA-C. GRCh37 (hg19) VCF-style: chr11-76901753-CA-C.
Other names: c.3764del, p.Lys1255fs (NM_001127180.2); c.3731del, p.Lys1244fs (NM_001369365.1); c.3764delA (NM_000260.3); short protein forms K1244fs, K1255fs.
Identifiers: ClinVar variation 43223 (VCV000043223.22), dbSNP rs111033347, ClinGen allele CA278659.
Genomic context (GRCh38, chr11:77,190,708, plus strand): 5'-GCAGGTCTGAAGGGAAGGGACCCCACAAACCCTCTTGGGGCACTTCCAGGCCACCAAGTC[CA>C]AGAAGCCAATCATGTTGCCCGTGACATTCATGGATGGGACCACCAAGACCCTGCTGACGG-3'

ClinVar aggregate classification (germline): Pathogenic. Review status: criteria provided, multiple submitters, no conflicts (2 of 4 stars). 12 submissions from 11 submitters: Pathogenic (9). 3 of the submissions do not count toward it. Last evaluated 2026-07-20.

Conditions:
MYO7A-related disorder. Also called: MYO7A-related disorders.
Usher syndrome. Also called: Usher Syndromes; Usher's syndrome. Identifiers: Orphanet 886, MedGen CN469326, MeSH D052245, MONDO:0019501. Disease mechanism: loss of function.
Rare genetic deafness. Identifiers: Orphanet 96210, MedGen C5680250.
Autosomal recessive nonsyndromic hearing loss 2. Also called: DEAFNESS, AUTOSOMAL RECESSIVE 2; NEUROSENSORY NONSYNDROMIC RECESSIVE DEAFNESS 2. Identifiers: Orphanet 90636, MedGen C1838701, MONDO:0010807, OMIM 600060.
Usher syndrome type 1 (USH1). Also called: RETINITIS PIGMENTOSA AND CONGENITAL DEAFNESS. Identifiers: Orphanet 231169, Orphanet 886, MedGen C1568247, MONDO:0010168, OMIM 276900.
Autosomal dominant nonsyndromic hearing loss 11. Identifiers: Orphanet 90635, MedGen C1832475, MONDO:0011032, OMIM 601317.
Usher syndrome type 1B (USH1B). Also called: Usher syndrome type IB. Identifiers: MedGen C1848638, MONDO:0700087.

Submissions (12):

PreventionGenetics, part of Exact Sciences
Classification: Pathogenic for MYO7A-related condition. Last evaluated: 2026-07-20. Review status: criteria provided, single submitter. Criteria: ACMG Guidelines, 2015. Collection method: clinical testing. Allele origin: germline.
Comment: The MYO7A c.3764delA variant is predicted to result in a frameshift and premature protein termination (p.Lys1255Argfs*8). This variant was reported in individuals with autosomal recessive Usher syndrome (see, for example, Jaijo et al. 2007. PubMed ID: 17361009; supplementary data, Sloan-Heggen et al. 2016. PubMed ID: 26969326; supplementary data, Bonnet et al. 2016. PubMed ID: 27460420). This variant has not been reported in a large population database (gnomAD), indicating this variant is rare. Frameshift variants in MYO7A are expected to be pathogenic for autosomal recessive disease. This variant is interpreted as pathogenic.

Institute of Medical Genetics and Applied Genomics, University Hospital Tübingen
Classification: Pathogenic for Usher syndrome type 1. Last evaluated: 2025-06-12. Review status: criteria provided, single submitter. Criteria: ACMG Guidelines, 2015. Collection method: clinical testing. Allele origin: germline. Inheritance: Autosomal recessive inheritance. Affected: yes.

Natera, Inc.
Classification: Pathogenic for Usher syndrome type 1B. Last evaluated: 2024-12-12. Review status: criteria provided, single submitter. Criteria: Natera Variant Classification Schema (03/2026). Collection method: clinical testing. Allele origin: germline.
Comment: The c.3764delA variant in MYO7A is a frameshift variant predicted to shift the reading frame beginning at codon 1255 and leads to a stop codon 8 codons downstream. This variant is expected to result in nonsense mediated decay, truncation, or a dysfunctional protein product. This variant is rare in the general population with a frequency below the threshold expected for the associated phenotype(s). This variant has been observed in one or more individuals affected with the associated recessive disease, as either homozygous or compound heterozygous with a second variant (PMID: 27460420). Given the available evidence, this variant is classified as Pathogenic.

Labcorp Genetics (formerly Invitae), Labcorp
Classification: Pathogenic. Last evaluated: 2024-07-15. Review status: criteria provided, single submitter. Criteria: Invitae Variant Classification Sherloc (09022015). Collection method: clinical testing. Allele origin: germline.
Comment: This sequence change creates a premature translational stop signal (p.Lys1255Argfs*8) in the MYO7A gene. It is expected to result in an absent or disrupted protein product. Loss-of-function variants in MYO7A are known to be pathogenic (PMID: 8900236, 25404053). This variant is not present in population databases (gnomAD no frequency). This premature translational stop signal has been observed in individual(s) with clinical features of autosomal recessive MYO7A-related conditions (PMID: 17361009, 26969326, 27460420, 30337596, 31479088). This variant is also known as c.3763del. ClinVar contains an entry for this variant (Variation ID: 43223). For these reasons, this variant has been classified as Pathogenic.

Fulgent Genetics
Classification: Pathogenic for Usher syndrome type 1; Autosomal recessive nonsyndromic hearing loss 2; Autosomal dominant nonsyndromic hearing loss 11. Last evaluated: 2024-05-14. Review status: criteria provided, single submitter. Criteria: ACMG Guidelines, 2015. Collection method: clinical testing. Allele origin: germline.

GeneDx
Classification: Pathogenic. Last evaluated: 2021-11-05. Review status: criteria provided, single submitter. Criteria: GeneDx Variant Classification Process June 2021. Collection method: clinical testing. Allele origin: germline. Affected: yes.
Comment: Frameshift variant predicted to result in protein truncation or nonsense mediated decay in a gene for which loss-of-function is a known mechanism of disease; Not observed at significant frequency in large population cohorts (Lek et al., 2016); This variant is associated with the following publications: (PMID: 27460420, 30337596, 17361009, 26969326, 21436283, 28041643, 31589614, 32581362, 33576163, 31479088)

Blueprint Genetics
Classification: Pathogenic for MYO7A-related disorders. Last evaluated: 2019-12-09. Review status: criteria provided, single submitter. Criteria: ACMG Guidelines, 2015. Collection method: clinical testing. Allele origin: germline. Affected: yes. Observed: 3 variant alleles.

Laboratory for Molecular Medicine, Mass General Brigham Personalized Medicine
Classification: Pathogenic for Rare genetic deafness. Last evaluated: 2011-07-26. Review status: criteria provided, single submitter. Criteria: LMM Criteria. Collection method: clinical testing. Allele origin: germline. Inheritance: Autosomal recessive inheritance. Observed: 3 variant alleles.
Comment: The Lys1255fs variant in MYO7A has been reported in two probands with Usher synd rome who were each compound heterozygous with a second pathogenic MYO7A variant (Roux 2011, Jaijo 2007). In addition, the Lys1255fs variant is predicted to caus e a frameshift, which alters the protein's amino acid sequence beginning at codo n 1255 and leads to a premature stop codon 8 codons downstream. This alteration is then predicted to lead to a truncated or absent protein. In summary, this var iant meets our criteria to be classified as pathogenic.

Baylor Genetics
Classification: Pathogenic for Usher syndrome type 1. Review status: criteria provided, single submitter. Criteria: ACMG Guidelines, 2015. Collection method: clinical testing. Allele origin: germline.

Counsyl
Classification: Likely pathogenic for Usher syndrome type 1. Last evaluated: 2016-11-02. Review status: no assertion criteria provided. Collection method: clinical testing. Allele origin: unknown. Not counted in ClinVar's aggregate classification.

Counsyl
Classification: Likely pathogenic for Autosomal recessive nonsyndromic hearing loss 2. Last evaluated: 2016-11-02. Review status: no assertion criteria provided. Collection method: clinical testing. Allele origin: unknown. Not counted in ClinVar's aggregate classification.

NIHR Bioresource Rare Diseases, University of Cambridge
Classification: Pathogenic for Usher syndrome. Last evaluated: 2015-01-01. Review status: no assertion criteria provided. Collection method: research. Allele origin: unknown. Affected: yes. Observed: 1 variant allele. Not counted in ClinVar's aggregate classification.

Literature cited by the submitters: PubMed 27460420 (cited by Natera, Inc. and Labcorp Genetics (formerly Invitae), Labcorp); PubMed 8900236 (cited by Labcorp Genetics (formerly Invitae), Labcorp); PubMed 25404053 (cited by Labcorp Genetics (formerly Invitae), Labcorp); PubMed 17361009 (cited by 4 submitters); PubMed 26969326 (cited by Labcorp Genetics (formerly Invitae), Labcorp); PubMed 30337596 (cited by Labcorp Genetics (formerly Invitae), Labcorp); PubMed 31479088 (cited by Labcorp Genetics (formerly Invitae), Labcorp); PubMed 21436283 (cited by Laboratory for Molecular Medicine, Mass General Brigham Personalized Medicine); PubMed 28041643 (cited by NIHR Bioresource Rare Diseases, University of Cambridge).